The following is an entry in ClinVar:

ClinVar aggregate classification (germline): Uncertain significance. Review status: criteria provided, multiple submitters, no conflicts (2 of 4 stars). 2 submissions from 2 submitters: Uncertain significance (2). Last evaluated 2025-04-16.

Conditions:
Dilated cardiomyopathy 1G (CMD1G). Identifiers: Orphanet 154, MedGen C1858763, MONDO:0011400, OMIM 604145.
Autosomal recessive limb-girdle muscular dystrophy type 2J (LGMDR10). Also called: Limb-girdle muscular dystrophy, type 2J; MUSCULAR DYSTROPHY, LIMB-GIRDLE, AUTOSOMAL RECESSIVE 10. Identifiers: Orphanet 140922, MedGen C1837342, MONDO:0012127, OMIM 608807.

Allele frequency attached by ClinVar (database versions not stated): TOPMed below 0.00001; gnomAD 0.00001; ExAC 0.00002.
gnomAD v4.1: 12 of 1,613,940 alleles (0.00074%); highest among the groups gnomAD compares: Admixed American, 0.0033%; no homozygotes.

Submissions (2):

GeneDx
Classification: Uncertain significance. Last evaluated: 2025-04-16. Review status: criteria provided, single submitter. Criteria: GeneDx Variant Classification Process June 2021. Collection method: clinical testing. Allele origin: germline. Affected: yes.
Comment: Not observed at significant frequency in large population cohorts (gnomAD); Missense variant in a gene in which most reported pathogenic variants are truncating/loss of function; Has not been previously published as pathogenic or benign to our knowledge

Labcorp Genetics (formerly Invitae), Labcorp
Classification: Uncertain significance for Dilated cardiomyopathy 1G; Autosomal recessive limb-girdle muscular dystrophy type 2J. Last evaluated: 2022-08-31. Review status: criteria provided, single submitter. Criteria: Invitae Variant Classification Sherloc (09022015). Collection method: clinical testing. Allele origin: germline.
Comment: This sequence change replaces arginine, which is basic and polar, with histidine, which is basic and polar, at codon 34949 of the TTN protein (p.Arg34949His). This variant is present in population databases (rs375818056, gnomAD 0.006%). This variant has not been reported in the literature in individuals affected with TTN-related conditions. Experimental studies and prediction algorithms are not available or were not evaluated, and the functional significance of this variant is currently unknown. This variant is located in the M band of TTN (PMID: 25589632). Variants in this region may be relevant for neuromuscular disorders, but have not been definitively shown to cause cardiomyopathy (PMID: 23975875). In summary, the available evidence is currently insufficient to determine the role of this variant in disease. Therefore, it has been classified as a Variant of Uncertain Significance.

Literature cited by the submitters: PubMed 25589632 (cited by Labcorp Genetics (formerly Invitae), Labcorp); PubMed 23975875 (cited by Labcorp Genetics (formerly Invitae), Labcorp).

NM_001267550.2(TTN):c.104846G>A (p.Arg34949His)

Genes: TTN (titin; minus strand), TTN-AS1 (TTN antisense RNA 1; plus strand). Cytogenetic location: 2q31.2.
Variant type: single nucleotide variant.
Coding change: c.104846G>A on transcript NM_001267550.2 (MANE Select); coding-DNA position 104846, G replaced by A.
Protein change: p.Arg34949His; replaces arginine 34949 with histidine.
Molecular consequence: missense variant.
Genome position (GRCh38, 1-based): chr2:178,531,769, C>T on the plus strand (G>A on the coding strand, the complement: TTN is on the minus strand). VCF-style: chr2-178531769-C-T. GRCh37 (hg19) VCF-style: chr2-179396496-C-T.
Other names: c.99923G>A, p.Arg33308His (NM_001256850.1); c.77651G>A, p.Arg25884His (NM_003319.4); c.97142G>A, p.Arg32381His (NM_133378.4); c.78026G>A, p.Arg26009His (NM_133432.3); c.78227G>A, p.Arg26076His (NM_133437.4); short protein forms R26009H, R34949H, R32381H, R33308H, R25884H, R26076H.
Identifiers: ClinVar variation 2144126 (VCV002144126.2), dbSNP rs375818056, ClinGen allele CA1985350.